The following is an entry in ClinVar:

ClinVar aggregate classification (germline): Uncertain significance (1 of 4 stars; one submission).

Conditions:
Familial thoracic aortic aneurysm and aortic dissection (TAAD). Also called: Thoracic aortic aneurysms and dissections. Identifiers: Orphanet 91387, MedGen C4707243, MONDO:0019625.

gnomAD v4.1: 8 of 1,614,000 alleles (0.0005%); highest among the groups gnomAD compares: Non-Finnish European, 0.00059%; no homozygotes.

Submission:

Ambry Genetics
Classification: Uncertain significance for Familial thoracic aortic aneurysm and aortic dissection. Last evaluated: 2025-03-02. Review status: criteria provided, single submitter. Criteria: Ambry Variant Classification Scheme 2023. Collection method: clinical testing. Allele origin: germline.
Comment: The p.V695M variant (also known as c.2083G>A), located in coding exon 16 of the MYH11 gene, results from a G to A substitution at nucleotide position 2083. The valine at codon 695 is replaced by methionine, an amino acid with highly similar properties. This amino acid position is conserved. In addition, this alteration is predicted to be deleterious by in silico analysis. Based on the available evidence, the clinical significance of this variant remains unclear.

NM_002474.3(MYH11):c.2083G>A (p.Val695Met)

Gene: MYH11 (myosin heavy chain 11; minus strand). Cytogenetic location: 16p13.11.
Variant type: single nucleotide variant.
Coding change: c.2083G>A on transcript NM_002474.3 (MANE Select); coding-DNA position 2083, G replaced by A.
Protein change: p.Val695Met; replaces valine 695 with methionine.
Molecular consequence: missense variant.
Genome position (GRCh38, 1-based): chr16:15,748,144, C>T on the plus strand (G>A on the coding strand, the complement: MYH11 is on the minus strand). VCF-style: chr16-15748144-C-T. GRCh37 (hg19) VCF-style: chr16-15842001-C-T.
Other names: c.2104G>A, p.Val702Met (NM_001040113.2, NM_001040114.2); c.2083G>A, p.Val695Met (NM_022844.3); short protein forms V702M, V695M.
Identifiers: ClinVar variation 3876305 (VCV003876305.1).
Genomic context (GRCh38, chr16:15,748,144, plus strand): 5'-AGCCCTGCCGGCAGATGCGAATGCCTTCCAGCACCCCATTGCACCGCAGCTGCTCCAGCA[C>T]CAGGAACGCATCCAGCTTGCCGGACTGCAAAGGTCAAAGAGGGCAGTGGATCCCTGGGGC-3'
Protein context (NP_002465.1, residues 685-705): KRSGKLDAFL[Val695Met]LEQLRCNGVL